The following is an entry in ClinVar:

ClinVar aggregate classification (germline): Pathogenic (1 of 4 stars; one submission).

Conditions:
Bardet-Biedl syndrome (BBS). Identifiers: Orphanet 110, MedGen C0752166, MONDO:0015229.

Submission:

Labcorp Genetics (formerly Invitae), Labcorp
Classification: Pathogenic for Bardet-Biedl syndrome. Last evaluated: 2023-06-24. Review status: criteria provided, single submitter. Criteria: Invitae Variant Classification Sherloc (09022015). Collection method: clinical testing. Allele origin: germline.
Comment: This sequence change creates a premature translational stop signal (p.Trp156Glyfs*45) in the BBS2 gene. It is expected to result in an absent or disrupted protein product. Loss-of-function variants in BBS2 are known to be pathogenic (PMID: 11285252, 20177705, 24608809, 26518167). For these reasons, this variant has been classified as Pathogenic. This variant has not been reported in the literature in individuals affected with BBS2-related conditions. This variant is not present in population databases (gnomAD no frequency).

Literature cited by the submitters: PubMed 11285252; PubMed 20177705; PubMed 24608809; PubMed 26518167.

NM_031885.5(BBS2):c.466del (p.Trp156fs)

Gene: BBS2 (Bardet-Biedl syndrome 2; minus strand). Cytogenetic location: 16q13.
Variant type: Deletion.
Coding change: c.466del on transcript NM_031885.5 (MANE Select); coding-DNA position 466, one base deleted (T; older notation c.466delT).
Protein change: p.Trp156fs; shifts the reading frame from tryptophan 156.
Molecular consequence: frameshift variant. On other transcripts: non-coding transcript variant (5).
Genome position (GRCh38, 1-based): chr16:56,511,164, A deleted on the plus strand (T on the coding strand, the reverse complement: BBS2 is on the minus strand); the first of 4 consecutive A bases (chr16:56,511,164-56,511,167); deleting any one gives the same sequence. VCF-style (leftmost placement, unchanged base first): chr16-56511163-CA-C. GRCh37 (hg19) VCF-style: chr16-56545075-CA-C.
Other names: c.466del, p.Trp156fs (NM_001377456.1); short protein forms W156fs.
Identifiers: ClinVar variation 2718334 (VCV002718334.3), dbSNP rs2543733261, ClinGen allele CA2697555835.